The following is an entry in ClinVar:

NC_000009.12:g.35658025_35658032dup

Gene: RMRP (RNA component of mitochondrial RNA processing endoribonuclease; minus strand). Cytogenetic location: 9p13.3.
Variant type: Duplication.
Genome position: GRCh38 VCF-style: chr9-35658023-C-CCTCAGCTT. GRCh37 (hg19) VCF-style: chr9-35658020-C-CCTCAGCTT.
Identifiers: ClinVar variation 633394 (VCV000633394.12), dbSNP rs1563907946, ClinGen allele CA913189486.
Genomic context (GRCh38, chr9:35,658,023, plus strand): 5'-GGGGAGGAACAGAGTCCTCAGTGTGTAGCCTAGGATACAGGCCTTCAGCACGAACCACGT[C>CCTCAGCTT]CTCAGCTTCACAGAGTAGTATTTTATAGCCCTAAAGAAATTGTGTTTTATGATTAGGGTG-3'

ClinVar aggregate classification (germline): Pathogenic/Likely pathogenic. Review status: criteria provided, multiple submitters, no conflicts (2 of 4 stars). 4 submissions from 4 submitters: Pathogenic (2); Likely pathogenic (2). Last evaluated 2026-01-02.

Conditions:
Metaphyseal chondrodysplasia, McKusick type (CHH). Also called: Cartilage-Hair Hypoplasia (CHH); Cartilage-hair hypoplasia. Identifiers: Orphanet 175, MedGen C0220748, MONDO:0009595, OMIM 250250.
RMRP-related disorder. Also called: RMRP-related condition.
Anauxetic dysplasia. Identifiers: Orphanet 93347, MedGen C1846796, MONDO:0011773.

Submissions (4):

Labcorp Genetics (formerly Invitae), Labcorp
Classification: Pathogenic for Anauxetic dysplasia. Last evaluated: 2026-01-02. Review status: criteria provided, single submitter. Criteria: Invitae Variant Classification Sherloc (09022015). Collection method: clinical testing. Allele origin: germline.
Comment: This variant occurs in the RMRP gene, which encodes an RNA molecule that does not result in a protein product. This variant is not present in population databases (gnomAD no frequency). This variant has been observed in individuals with cartilage-hair hypoplasia (PMID: 12107819). Other insertions and duplications immediately upstream of the coding sequence have been reported in individuals affected with cartilage-hair hypoplasia-anauxetic dysplasia (CHH-AD) spectrum disorders (PMID: 16244706, 11207361, 12107819). This variant is also known as dupAAGCTGAG at -6. ClinVar contains an entry for this variant (Variation ID: 633394). While functional studies for this variant have not been reported, experimental analyses using patient derived cells, as well as in vitro transfection studies, have shown that promoter insertions result in silencing of RMRP transcription and reduced expression of the gene product (PMID: 11207361, 16254002). For these reasons, this variant has been classified as Pathogenic.

Natera, Inc.
Classification: Pathogenic for Cartilage-hair hypoplasia. Last evaluated: 2025-08-22. Review status: criteria provided, single submitter. Criteria: Natera Variant Classification Schema (03/2026). Collection method: clinical testing. Allele origin: germline.
Comment: The n.-13_-6dupAAGCTGAG variant in RMRP is a duplication affecting the RMRP promoter region between the TATA box and the transcription initiation site. Other duplications and insertions just upstream of the transcription initiation site have been reported in individuals affected with cartilage-hair hypoplasia (PMID: 11207361, 17937437). This variant is rare in the general population with a frequency below the threshold expected for the associated phenotype(s). This variant has been observed in one or more individuals affected with the associated recessive disease, as either homozygous or compound heterozygous with a second variant (PMID: 12107819). Given the available evidence, this variant is classified as Pathogenic.

Women's Health and Genetics/Laboratory Corporation of America, LabCorp
Classification: Likely pathogenic for Metaphyseal chondrodysplasia, McKusick type. Last evaluated: 2022-06-07. Review status: criteria provided, single submitter. Criteria: LabCorp Variant Classification Summary - May 2015. Collection method: clinical testing. Allele origin: germline.
Comment: Variant summary: RMRP n.-13_-6dupAAGCTGAG is located in the promoter region of the RMRP gene which is located between the TATA box (at position -33 to -25) and the transcription initiation site (at +1). Other insertions or duplications in the promoter region of RMRP have been classified as pathogenic (internally and in ClinVar). The variant was absent in 127922 control chromosomes (gnomAD). n.-13_-6dupAAGCTGAG has been reported in the literature in at least one individual affected with Cartilage-Hair Hypoplasia (Ridanpaa_2001). To our knowledge, no experimental evidence demonstrating an impact on protein function has been reported. Many other insertions or duplications in the promoter region of RMRP have been reported in affected individuals in the literature (e.g. PMIDs: 21956908, 21396580) and have been demonstrated through functional studies to lead to reduced RMRP transcription (e.g. PMIDs: 11207361, 16254002). A ClinVar submitter (evaluation after 2014) cites the variant as pathogenic. Based on the evidence outlined above, the variant was classified as likely pathogenic.

Blueprint Genetics
Classification: Likely pathogenic for RMRP-related disorders. Last evaluated: 2022-04-05. Review status: criteria provided, single submitter. Criteria: ACMG Guidelines, 2015. Collection method: clinical testing. Allele origin: germline. Affected: yes. Observed: 5 variant alleles.

Literature cited by the submitters: PubMed 12107819 (cited by 3 submitters); PubMed 16244706 (cited by Labcorp Genetics (formerly Invitae), Labcorp and Women's Health and Genetics/Laboratory Corporation of America, LabCorp); PubMed 11207361 (cited by Labcorp Genetics (formerly Invitae), Labcorp and Natera, Inc.); PubMed 16254002 (cited by Labcorp Genetics (formerly Invitae), Labcorp); PubMed 17937437 (cited by Natera, Inc.); PubMed 17701897 (cited by Women's Health and Genetics/Laboratory Corporation of America, LabCorp); PubMed 17189938 (cited by Women's Health and Genetics/Laboratory Corporation of America, LabCorp); PubMed 21956908 (cited by Women's Health and Genetics/Laboratory Corporation of America, LabCorp); PubMed 21396580 (cited by Women's Health and Genetics/Laboratory Corporation of America, LabCorp).